The following is an entry in ClinVar:

NM_000718.4(CACNA1B):c.2675A>C (p.His892Pro)

Gene: CACNA1B (calcium voltage-gated channel subunit alpha1 B; plus strand). Cytogenetic location: 9q34.3.
Variant type: single nucleotide variant.
Coding change: c.2675A>C on transcript NM_000718.4 (MANE Select); coding-DNA position 2675, A replaced by C.
Protein change: p.His892Pro; replaces histidine 892 with proline.
Molecular consequence: missense variant.
Genome position (GRCh38, 1-based): chr9:138,023,418, A>C. VCF-style: chr9-138023418-A-C. GRCh37 (hg19) VCF-style: chr9-140917870-A-C.
Other names: c.2675A>C, p.His892Pro (NM_001243812.2); short protein forms H892P.
Identifiers: ClinVar variation 3681233 (VCV003681233.2).

ClinVar aggregate classification (germline): Uncertain significance (1 of 4 stars; one submission).

gnomAD v4.1: 1 of 1,296,558 alleles (0.000077%); highest among the groups gnomAD compares: African/African-American, 0.0016%; no homozygotes.

Submission:

Labcorp Genetics (formerly Invitae), Labcorp
Classification: Uncertain significance. Last evaluated: 2024-03-27. Review status: criteria provided, single submitter. Criteria: Invitae Variant Classification Sherloc (09022015). Collection method: clinical testing. Allele origin: germline.
Comment: This sequence change replaces histidine, which is basic and polar, with proline, which is neutral and non-polar, at codon 892 of the CACNA1B protein (p.His892Pro). The frequency data for this variant in the population databases is considered unreliable, as metrics indicate insufficient coverage at this position in the gnomAD database. This variant has not been reported in the literature in individuals affected with CACNA1B-related conditions. An algorithm developed to predict the effect of missense changes on protein structure and function (PolyPhen-2) suggests that this variant is likely to be tolerated. In summary, the available evidence is currently insufficient to determine the role of this variant in disease. Therefore, it has been classified as a Variant of Uncertain Significance.